The following is an entry in ClinVar:

NM_020686.6(ABAT):c.378dup (p.Asn127fs)

Gene: ABAT (4-aminobutyrate aminotransferase; plus strand). Cytogenetic location: 16p13.2.
Variant type: Duplication.
Coding change: c.378dup on transcript NM_020686.6 (MANE Select); coding-DNA position 378, one base duplicated (C; older notation c.378dupC).
Protein change: p.Asn127fs; shifts the reading frame from asparagine 127.
Molecular consequence: frameshift variant.
Genome position (GRCh38, 1-based): chr16:8,764,080, C duplicated. VCF-style (leftmost placement, unchanged base first): chr16-8764079-T-TC. GRCh37 (hg19) VCF-style: chr16-8857936-T-TC.
Other names: c.378dup, p.Asn127fs (NM_000663.5, NM_001127448.2, NM_001386600.1 and 10 more transcripts); c.243dup, p.Asn82fs (NM_001386610.1, NM_001386611.1, NM_001386612.1 and 1 more transcripts); c.132dup, p.Asn45fs (NM_001386614.1); c.474dup, p.Asn159fs (NM_001386615.1); short protein forms N82fs, N159fs, N45fs, N127fs.
Identifiers: ClinVar variation 2011985 (VCV002011985.4), dbSNP rs1383146093, ClinGen allele CA725462993.

ClinVar aggregate classification (germline): Pathogenic (1 of 4 stars; one submission).

Conditions:
Gamma-aminobutyric acid transaminase deficiency (GABATD). Also called: GABA transaminase deficiency; Gamma aminobutyrate transaminase deficiency; 4 alpha aminobutyrate transaminase deficiency; GABA aminotransaminase deficiency. Identifiers: Orphanet 2066, MedGen C0342708, MONDO:0013166, OMIM 613163.

Allele frequency attached by ClinVar (database versions not stated): TOPMed 0.00001.

Submission:

Labcorp Genetics (formerly Invitae), Labcorp
Classification: Pathogenic for Gamma-aminobutyric acid transaminase deficiency. Last evaluated: 2022-06-28. Review status: criteria provided, single submitter. Criteria: Invitae Variant Classification Sherloc (09022015). Collection method: clinical testing. Allele origin: germline.
Comment: For these reasons, this variant has been classified as Pathogenic. This sequence change creates a premature translational stop signal (p.Asn127Glnfs*43) in the ABAT gene. It is expected to result in an absent or disrupted protein product. Loss-of-function variants in ABAT are known to be pathogenic (PMID: 20052547, 25738457). This variant is not present in population databases (gnomAD no frequency). This variant has not been reported in the literature in individuals affected with ABAT-related conditions.

Literature cited by the submitters: PubMed 20052547; PubMed 25738457.